The following is an entry in ClinVar:

ClinVar aggregate classification (germline): Uncertain significance (1 of 4 stars; one submission).

Submission:

Labcorp Genetics (formerly Invitae), Labcorp
Classification: Uncertain significance. Last evaluated: 2026-01-26. Review status: criteria provided, single submitter. Criteria: Invitae Variant Classification Sherloc (09022015). Collection method: clinical testing. Allele origin: germline.
Comment: This variant, c.1415_1423del, results in the deletion of 3 amino acid(s) of the TONSL protein (p.Glu472_Ala474del), but otherwise preserves the integrity of the reading frame. This variant is present in population databases (rs534884350, gnomAD 0.05%). This variant has not been reported in the literature in individuals affected with TONSL-related conditions. Experimental studies and prediction algorithms are not available or were not evaluated, and the functional significance of this variant is currently unknown. In summary, the available evidence is currently insufficient to determine the role of this variant in disease. Therefore, it has been classified as a Variant of Uncertain Significance.

NM_013432.5(TONSL):c.1406AGGAGGCGG[1] (p.469EEA[1])

Gene: TONSL (tonsoku like, DNA repair protein; minus strand). Cytogenetic location: 8q24.3.
Variant type: Microsatellite.
Coding change: c.1406AGGAGGCGG[1] on transcript NM_013432.5 (MANE Select); one copy of the 9-base unit AGGAGGCGG starting at c.1406; the reference has two copies in a row; one copy, 9 bases deleted.
Protein change: p.469EEA[1].
Molecular consequence: inframe deletion.
Genome position (GRCh38, 1-based): chr8:144,440,078-144,440,086, CCGCCTCCT deleted on the plus strand (AGGAGGCGG on the coding strand, the reverse complement: TONSL is on the minus strand); deleting any 9 consecutive bases within chr8:144,440,078-144,440,097 gives the same sequence; the position shown is the placement nearest the transcript's 3' end. VCF-style (leftmost placement, unchanged base first): chr8-144440077-GCCGCCTCCT-G. GRCh37 (hg19) VCF-style: chr8-145665460-GCCGCCTCCT-G.
Identifiers: ClinVar variation 1481477 (VCV001481477.5), dbSNP rs534884350, ClinGen allele CA4943244.